The following is an entry in ClinVar:

ClinVar aggregate classification (germline): Conflicting classifications of pathogenicity. Review status: criteria provided, conflicting classifications (1 of 4 stars). 2 submissions from 2 submitters: Likely pathogenic (1); Uncertain significance (1). Last evaluated 2025-01-01.

Conditions:
Hermansky-Pudlak syndrome 6 (HPS6). Identifiers: Orphanet 231512, Orphanet 79430, MedGen C3888007, MONDO:0013558, OMIM 614075.

Allele frequency attached by ClinVar (database versions not stated): TOPMed below 0.00001; gnomAD 0.00001 and 0.00002; ExAC 0.00005; ESP Exome Variant Server 0.00008; 1000 Genomes Project 30x 0.00016; 1000 Genomes Project 0.00020.

Submissions (2):

Laboratory of Genetic Epidemiology, Research Centre for Medical Genetics
Classification: Likely pathogenic for Hermansky-Pudlak syndrome 6. Last evaluated: 2025-01-01. Review status: criteria provided, single submitter. Criteria: ACMG Guidelines, 2015. Collection method: clinical testing. Allele origin: unknown. Inheritance: Autosomal recessive inheritance. Affected: yes. Observed: 1 heterozygote.
Comment: This variant has not been previously reported in the literature and is listed in gnomAD v2.1.1 with allele frequency 0.00001 (3/152156). The affected amino acid position is evolutionarily conserved, and multiple in silico prediction tools support a deleterious effect. Taken together, the variant meets the following ACMG/AMP criteria and can be classified as likely pathogenic with PM2, PP3, PM3, PP4 criteria.

Labcorp Genetics (formerly Invitae), Labcorp
Classification: Uncertain significance. Last evaluated: 2022-07-19. Review status: criteria provided, single submitter. Criteria: Invitae Variant Classification Sherloc (09022015). Collection method: clinical testing. Allele origin: germline.
Comment: This sequence change replaces alanine, which is neutral and non-polar, with valine, which is neutral and non-polar, at codon 486 of the HPS6 protein (p.Ala486Val). This variant is present in population databases (rs139679441, gnomAD 0.05%). This variant has not been reported in the literature in individuals affected with HPS6-related conditions. ClinVar contains an entry for this variant (Variation ID: 1413499). Algorithms developed to predict the effect of missense changes on protein structure and function (SIFT, PolyPhen-2, Align-GVGD) all suggest that this variant is likely to be tolerated. In summary, the available evidence is currently insufficient to determine the role of this variant in disease. Therefore, it has been classified as a Variant of Uncertain Significance.

Literature cited by the submitters: PubMed 41428507 (cited by Laboratory of Genetic Epidemiology, Research Centre for Medical Genetics).

NM_024747.6(HPS6):c.1457C>T (p.Ala486Val)

Gene: HPS6 (HPS6 biogenesis of lysosomal organelles complex 2 subunit 3; plus strand). Cytogenetic location: 10q24.32.
Variant type: single nucleotide variant.
Coding change: c.1457C>T on transcript NM_024747.6 (MANE Select); coding-DNA position 1457, C replaced by T.
Protein change: p.Ala486Val; replaces alanine 486 with valine.
Molecular consequence: missense variant.
Genome position (GRCh38, 1-based): chr10:102,066,931, C>T. VCF-style: chr10-102066931-C-T. GRCh37 (hg19) VCF-style: chr10-103826688-C-T.
Other names: short protein forms A486V.
Identifiers: ClinVar variation 1413499 (VCV001413499.4), dbSNP rs139679441, ClinGen allele CA5659985.
Genomic context (GRCh38, chr10:102,066,931, plus strand): 5'-AACAGCTGAAGGCCCAGCTGGTGGCTGGGGATGATGAGGAGGCTGGTTGGACTGAGCTGG[C>T]GGAGCAGGAAGTGGCACGCCTGCTGAGGACTGAGTTGATAGGAGACCAGCTAGCCCAGCT-3'
Protein context (NP_079023.2, residues 476-496): DDEEAGWTEL[Ala486Val]EQEVARLLRT